The following is an entry in ClinVar:

NM_001347721.2(DYRK1A):c.1555del (p.Arg519fs)

Gene: DYRK1A (dual specificity tyrosine phosphorylation regulated kinase 1A; plus strand). Cytogenetic location: 21q22.13.
Variant type: Deletion.
Coding change: c.1555del on transcript NM_001347721.2 (MANE Select); coding-DNA position 1555, one base deleted (C; older notation c.1555delC).
Protein change: p.Arg519fs; shifts the reading frame from arginine 519.
Molecular consequence: frameshift variant. On other transcripts: intron variant (1).
Genome position (GRCh38, 1-based): chr21:37,506,134, C deleted; the last of 3 consecutive C bases (chr21:37,506,132-37,506,134); deleting any one gives the same sequence. VCF-style (leftmost placement, unchanged base first): chr21-37506131-GC-G. GRCh37 (hg19) VCF-style: chr21-38878434-GC-G.
Other names: NP_001387.2:p.Arg528fs; c.1555del, p.Arg519fs (NM_001347722.2, NM_130436.2); c.1468del, p.Arg490fs (NM_001347723.2); c.1582del, p.Arg528fs (NM_001396.5, NM_101395.2); c.1546+545del (NM_130438.2); short protein forms R490fs, R519fs, R528fs.
Identifiers: ClinVar variation 5042597 (VCV005042597.1).

ClinVar aggregate classification (germline): Pathogenic (1 of 4 stars; one submission).

Conditions:
DYRK1A-related intellectual disability syndrome (MRD7). Also called: DYRK1A Syndrome; Intellectual developmental disorder, autosomal dominant 7. Identifiers: Orphanet 464306, MedGen C5568143, MONDO:0013578, OMIM 614104.

Submission:

Research Center of Medical Experimental Technology, The Third Xiangya Hospital of Central South University
Classification: Pathogenic for DYRK1A-related intellectual disability syndrome. Last evaluated: 2026-10-29. Review status: criteria provided, single submitter. Criteria: ACMG Guidelines, 2015. Collection method: clinical testing. Allele origin: de novo. Affected: yes.
Comment: The c.1582del variant, a deletion of ‘C’ at position c.1582 of the DYRK1A gene (NM_001396.5), causes a frame shift starting at codon 528 and creates a premature termination codon at position 64 of the new reading frame, demonstrated as p.Arg528Glyfs*64. This variant generates the premature termination codon in the last exon (exon 12) of the DYRK1A gene, which is not anticipated to result in nonsense-mediated decay. It is predicted to cause loss of normal protein function through protein truncation, disrupting the last 236 amino acid(s) of the DYRK1A protein. The c.1582del variant has not been reported in the literature or in population databases (no rsID available, no frequency in gnomAD). In summary, this variant meets the criteria to be classified as Pathogenic.